The following is an entry in ClinVar:

ClinVar aggregate classification (germline): Benign/Likely benign. Review status: criteria provided, multiple submitters, no conflicts (2 of 4 stars). 2 submissions from 2 submitters: Benign (1); Likely benign (1). Last evaluated 2024-11-12.

Conditions:
Papillary renal cell carcinoma type 1 (RCCP1). Also called: RENAL CELL CARCINOMA, PAPILLARY, 1, SOMATIC; Renal adenocarcinoma; Renal cell carcinoma 1; Renal cell carcinoma, somatic. Identifiers: Orphanet 47044, MedGen C1336839, OMIM 605074, HP:0011797.
Renal cell carcinoma. Identifiers: Orphanet 217071, MedGen C0007134, MeSH D002292, MONDO:0005086, HP:0005584.

Submissions (2):

Myriad Genetics, Inc.
Classification: Benign for Papillary renal cell carcinoma type 1. Last evaluated: 2024-11-12. Review status: criteria provided, single submitter. Criteria: Myriad Autosomal Dominant, Autosomal Recessive and X-Linked Classification Criteria (2023). Collection method: clinical testing. Allele origin: unknown.
Comment: This variant is considered benign. This variant is a silent/synonymous amino acid change and it is not expected to impact splicing.

Labcorp Genetics (formerly Invitae), Labcorp
Classification: Likely benign for Renal cell carcinoma. Last evaluated: 2023-06-04. Review status: criteria provided, single submitter. Criteria: Invitae Variant Classification Sherloc (09022015). Collection method: clinical testing. Allele origin: germline.

NM_000245.4(MET):c.2622G>C (p.Val874=)

Gene: MET (MET proto-oncogene, receptor tyrosine kinase; plus strand). Cytogenetic location: 7q31.2.
Variant type: single nucleotide variant.
Coding change: c.2622G>C on transcript NM_000245.4 (MANE Select); coding-DNA position 2622, G replaced by C.
Protein change: p.Val874=; no amino-acid change (valine 874 retained).
Molecular consequence: synonymous variant.
Genome position (GRCh38, 1-based): chr7:116,769,683, G>C. VCF-style: chr7-116769683-G-C. GRCh37 (hg19) VCF-style: chr7-116409737-G-C.
Other names: c.2676G>C, p.Val892= (NM_001127500.3); c.2622G>C, p.Val874= (NM_001324401.3); c.1332G>C, p.Val444= (NM_001324402.2).
Identifiers: ClinVar variation 2999755 (VCV002999755.4), dbSNP rs2485766903, ClinGen allele CA457441721.